The following is an entry in ClinVar:

NM_004304.5(ALK):c.1107C>A (p.Asn369Lys)

Gene: ALK (ALK receptor tyrosine kinase; minus strand). Cytogenetic location: 2p23.2.
Variant type: single nucleotide variant.
Coding change: c.1107C>A on transcript NM_004304.5 (MANE Select); coding-DNA position 1107, C replaced by A.
Protein change: p.Asn369Lys; replaces asparagine 369 with lysine.
Molecular consequence: missense variant.
Genome position (GRCh38, 1-based): chr2:29,531,962, G>T on the plus strand (C>A on the coding strand, the complement: ALK is on the minus strand). VCF-style: chr2-29531962-G-T. GRCh37 (hg19) VCF-style: chr2-29754828-G-T.
Other names: short protein forms N369K.
Identifiers: ClinVar variation 859405 (VCV000859405.10), dbSNP rs114429299, ClinGen allele CA346587260.

ClinVar aggregate classification (germline): Uncertain significance. Review status: criteria provided, multiple submitters, no conflicts (2 of 4 stars). 2 submissions from 2 submitters: Uncertain significance (2). Last evaluated 2025-07-19.

Conditions:
Neuroblastoma, susceptibility to, 3. Also called: ALK-Related Neuroblastic Tumor Susceptibility. Identifiers: Orphanet 635, MedGen C2751681, MONDO:0013083, OMIM 613014.
Hereditary cancer-predisposing syndrome. Also called: Hereditary neoplastic syndrome; Tumor predisposition; Neoplastic Syndromes, Hereditary; Hereditary Cancer Syndrome. Identifiers: Orphanet 140162, MedGen C0027672, MeSH D009386, MONDO:0015356.

gnomAD v4.1: 2 of 1,614,170 alleles (0.00012%); highest among the groups gnomAD compares: East Asian, 0.0022%; no homozygotes.

Submissions (2):

Ambry Genetics
Classification: Uncertain significance for Hereditary cancer-predisposing syndrome. Last evaluated: 2025-07-19. Review status: criteria provided, single submitter. Criteria: Ambry Variant Classification Scheme 2023. Collection method: clinical testing. Allele origin: germline.
Comment: The p.N369K variant (also known as c.1107C>A), located in coding exon 4 of the ALK gene, results from a C to A substitution at nucleotide position 1107. The asparagine at codon 369 is replaced by lysine, an amino acid with similar properties. This amino acid position is conserved. In addition, this alteration is predicted to be tolerated by in silico analysis. Based on the available evidence, the clinical significance of this variant remains unclear.

Labcorp Genetics (formerly Invitae), Labcorp
Classification: Uncertain significance for Neuroblastoma, susceptibility to, 3. Last evaluated: 2023-12-07. Review status: criteria provided, single submitter. Criteria: Invitae Variant Classification Sherloc (09022015). Collection method: clinical testing. Allele origin: germline.
Comment: This sequence change replaces asparagine, which is neutral and polar, with lysine, which is basic and polar, at codon 369 of the ALK protein (p.Asn369Lys). This variant is not present in population databases (gnomAD no frequency). This variant has not been reported in the literature in individuals affected with ALK-related conditions. ClinVar contains an entry for this variant (Variation ID: 859405). An algorithm developed to predict the effect of missense changes on protein structure and function (PolyPhen-2) suggests that this variant is likely to be tolerated. In summary, the available evidence is currently insufficient to determine the role of this variant in disease. Therefore, it has been classified as a Variant of Uncertain Significance.